The following is an entry in ClinVar:

NM_001042492.3(NF1):c.5665G>A (p.Glu1889Lys)

Gene: NF1 (neurofibromin 1; plus strand). Cytogenetic location: 17q11.2.
Variant type: single nucleotide variant.
Coding change: c.5665G>A on transcript NM_001042492.3 (MANE Select); coding-DNA position 5665, G replaced by A.
Protein change: p.Glu1889Lys; replaces glutamic acid 1889 with lysine.
Molecular consequence: missense variant.
Genome position (GRCh38, 1-based): chr17:31,330,351, G>A. VCF-style: chr17-31330351-G-A. GRCh37 (hg19) VCF-style: chr17-29657369-G-A.
Other names: c.5602G>A, p.Glu1868Lys (NM_000267.4); short protein forms E1889K, E1868K.
Identifiers: ClinVar variation 1035978 (VCV001035978.7), dbSNP rs764782945, ClinGen allele CA8487214.

ClinVar aggregate classification (germline): Uncertain significance. Review status: criteria provided, multiple submitters, no conflicts (2 of 4 stars). 2 submissions from 2 submitters: Uncertain significance (2). Last evaluated 2025-10-25.

Conditions:
Neurofibromatosis, type 1 (NF1). Also called: NEUROFIBROMATOSIS, TYPE I, SOMATIC; VON RECKLINGHAUSEN DISEASE; Peripheral type neurofibromatosis; Neurofibromatosis, type I. Identifiers: Orphanet 636, MedGen C0027831, MONDO:0018975, OMIM 162200. Disease mechanism: loss of function.
Hereditary cancer-predisposing syndrome. Also called: Neoplastic Syndromes, Hereditary; Hereditary Cancer Syndrome; Tumor predisposition; Hereditary neoplastic syndrome. Identifiers: Orphanet 140162, MedGen C0027672, MeSH D009386, MONDO:0015356.
Cardiovascular phenotype. Identifiers: MedGen CN230736.

Allele frequency attached by ClinVar (database versions not stated): gnomAD 0.00001; gnomAD exomes 0.00001; ExAC 0.00002.
gnomAD v4.1: 11 of 1,613,740 alleles (0.00068%); highest among the groups gnomAD compares: East Asian, 0.0022%; no homozygotes.

Submissions (2):

Labcorp Genetics (formerly Invitae), Labcorp
Classification: Uncertain significance for Neurofibromatosis, type 1. Last evaluated: 2025-10-25. Review status: criteria provided, single submitter. Criteria: Invitae Variant Classification Sherloc (09022015). Collection method: clinical testing. Allele origin: germline.
Comment: This sequence change replaces glutamic acid, which is acidic and polar, with lysine, which is basic and polar, at codon 1868 of the NF1 protein (p.Glu1868Lys). This variant is present in population databases (rs764782945, gnomAD 0.005%). This variant has not been reported in the literature in individuals affected with NF1-related conditions. ClinVar contains an entry for this variant (Variation ID: 1035978). Invitae Evidence Modeling of protein sequence and biophysical properties (such as structural, functional, and spatial information, amino acid conservation, physicochemical variation, residue mobility, and thermodynamic stability) indicates that this missense variant is expected to disrupt NF1 protein function with a positive predictive value of 95%. In summary, the available evidence is currently insufficient to determine the role of this variant in disease. Therefore, it has been classified as a Variant of Uncertain Significance.

Ambry Genetics
Classification: Uncertain significance for Cardiovascular phenotype; Hereditary cancer-predisposing syndrome. Last evaluated: 2024-12-19. Review status: criteria provided, single submitter. Criteria: Ambry Variant Classification Scheme 2023. Collection method: clinical testing. Allele origin: germline.